The following is an entry in ClinVar:

ClinVar aggregate classification (germline): Uncertain significance. Review status: criteria provided, multiple submitters, no conflicts (2 of 4 stars). 3 submissions from 3 submitters: Uncertain significance (3). Last evaluated 2024-06-09.

Conditions:
Primary dilated cardiomyopathy (DCM). Also called: Dilated Cardiomyopathy. Identifiers: Orphanet 217604, MedGen C0007193, MeSH D002311, MONDO:0005021, HP:0001644. Inheritance: Various modes of inheritance.

Allele frequency attached by ClinVar (database versions not stated): gnomAD 0.00005 and 0.00006; gnomAD exomes below 0.00001 and 0.00002; ExAC 0.00001; TOPMed 0.00003.
gnomAD v4.1: 12 of 1,613,524 alleles (0.00074%); highest among the groups gnomAD compares: African/African-American, 0.016%; no homozygotes.

Submissions (3):

All of Us Research Program, National Institutes of Health
Classification: Uncertain significance for Primary dilated cardiomyopathy. Last evaluated: 2024-06-09. Review status: criteria provided, single submitter. Criteria: ACMG Guidelines, 2015. Collection method: clinical testing. Allele origin: germline. Inheritance: Autosomal dominant inheritance. Observed: 3 variant alleles, 3 heterozygotes.
Comment: This variant is located in the 3' untranslated region of the LMNA gene. To our knowledge, functional studies have not been reported for this variant. This variant has not been reported in individuals affected with cardiovascular disorders in the literature. This variant has been identified in 8/282412 chromosomes in the general population by the Genome Aggregation Database (gnomAD). The available evidence is insufficient to determine the role of this variant in disease conclusively. Therefore, this variant is classified as a Variant of Uncertain Significance.

This study involves interpretation of variants in research participants for the purpose of population health screening. Participant phenotype was not available at the time of variant classification. Additional details can be found in publication PMID: 35346344, PMCID: PMC8962531

Blueprint Genetics
Classification: Uncertain significance. Last evaluated: 2024-05-08. Review status: criteria provided, single submitter. Criteria: ACMG Guidelines, 2015. Collection method: clinical testing. Allele origin: germline.

Laboratory for Molecular Medicine, Mass General Brigham Personalized Medicine
Classification: Uncertain significance. Last evaluated: 2012-03-02. Review status: criteria provided, single submitter. Criteria: LMM Criteria. Collection method: clinical testing. Allele origin: germline. Observed: 1 variant allele.
Comment: Variant classified as Uncertain Significance - Favor Benign. The *6G>A variant ( LMNA) has not been reported in the literature nor previously identified by our l aboratory. This variant occurs in the 3' untranslated region (3' UTR) and does n ot affect the coding sequence of the gene. Although this region can contain elem ents that regulate mRNA, there is no obvious predicted effect of this variant an d no other pathogenic variants have been reported in the 3' UTR region of the LM NA gene. In summary, the clinical significance of this variant cannot be determi ned at this time.

NM_170707.4(LMNA):c.*6G>A

Gene: LMNA (lamin A/C; plus strand). Cytogenetic location: 1q22.
Variant type: single nucleotide variant.
Coding change: c.*6G>A on transcript NM_170707.4 (MANE Select); 6 bases downstream of the stop codon, G replaced by A.
Molecular consequence: 3 prime UTR variant. On other transcripts: intron variant (1).
Genome position (GRCh38, 1-based): chr1:156,139,112, G>A. VCF-style: chr1-156139112-G-A. GRCh37 (hg19) VCF-style: chr1-156108903-G-A.
Other names: c.*6G>A; c.*6G>A (NM_001282626.2, NM_170708.4); c.1655+10G>A (NM_001257374.3).
Identifiers: ClinVar variation 48027 (VCV000048027.7), dbSNP rs397517885, ClinGen allele CA014897.